The following is an entry in ClinVar:

NM_004333.6(BRAF):c.2199G>C (p.Leu733Phe)

Gene: BRAF (B-Raf proto-oncogene, serine/threonine kinase; minus strand). Cytogenetic location: 7q34.
Variant type: single nucleotide variant.
Coding change: c.2199G>C on transcript NM_004333.6 (MANE Select); coding-DNA position 2199, G replaced by C.
Protein change: p.Leu733Phe; replaces leucine 733 with phenylalanine.
Molecular consequence: missense variant. On other transcripts: intron variant (2).
Genome position (GRCh38, 1-based): chr7:140,734,699, C>G on the plus strand (G>C on the coding strand, the complement: BRAF is on the minus strand). VCF-style: chr7-140734699-C-G. GRCh37 (hg19) VCF-style: chr7-140434499-C-G.
Other names: c.2199G>C, p.Leu733Phe (NM_001354609.2); c.2319G>C, p.Leu773Phe (NM_001374244.1, NM_001374258.1); c.2208G>C, p.Leu736Phe (NM_001378467.1); c.2133G>C, p.Leu711Phe (NM_001378469.1); c.2097G>C, p.Leu699Phe (NM_001378470.1); c.2088G>C, p.Leu696Phe (NM_001378471.1); c.2043G>C, p.Leu681Phe (NM_001378472.1, NM_001378473.1); c.1935G>C, p.Leu645Phe (NM_001378475.1); and 1 more; short protein forms L736F, L773F, L696F, L711F, L645F, L699F, L681F, L733F.
Identifiers: ClinVar variation 4740419 (VCV004740419.1).

ClinVar aggregate classification (germline): Uncertain significance (1 of 4 stars; one submission).

Conditions:
RASopathy. Also called: rasopathies; Noonan spectrum disorder. Identifiers: Orphanet 536391, MedGen C5555857, MONDO:0021060.

Submission:

Labcorp Genetics (formerly Invitae), Labcorp
Classification: Uncertain significance for RASopathy. Last evaluated: 2026-01-27. Review status: criteria provided, single submitter. Criteria: Invitae Variant Classification Sherloc (09022015). Collection method: clinical testing. Allele origin: germline.
Comment: This sequence change replaces leucine, which is neutral and non-polar, with phenylalanine, which is neutral and non-polar, at codon 733 of the BRAF protein (p.Leu733Phe). This variant is not present in population databases (gnomAD no frequency). This variant has not been reported in the literature in individuals affected with BRAF-related conditions. Invitae Evidence Modeling of protein sequence and biophysical properties (such as structural, functional, and spatial information, amino acid conservation, physicochemical variation, residue mobility, and thermodynamic stability) indicates that this missense variant is not expected to disrupt BRAF protein function with a negative predictive value of 80%. In summary, the available evidence is currently insufficient to determine the role of this variant in disease. Therefore, it has been classified as a Variant of Uncertain Significance.